The following is an entry in ClinVar:

NM_003482.4(KMT2D):c.4343G>A (p.Cys1448Tyr)

Gene: KMT2D (lysine methyltransferase 2D; minus strand). Cytogenetic location: 12q13.12.
Variant type: single nucleotide variant.
Coding change: c.4343G>A on transcript NM_003482.4 (MANE Select); coding-DNA position 4343, G replaced by A.
Protein change: p.Cys1448Tyr; replaces cysteine 1448 with tyrosine.
Molecular consequence: missense variant.
Genome position (GRCh38, 1-based): chr12:49,046,684, C>T on the plus strand (G>A on the coding strand, the complement: KMT2D is on the minus strand). VCF-style: chr12-49046684-C-T. GRCh37 (hg19) VCF-style: chr12-49440467-C-T.
Other names: short protein forms C1448Y.
Identifiers: ClinVar variation 158768 (VCV000158768.14), dbSNP rs587783716, ClinGen allele CA271641.

ClinVar aggregate classification (germline): Uncertain significance. Review status: criteria provided, multiple submitters, no conflicts (2 of 4 stars). 2 submissions from 2 submitters: Uncertain significance (2). Last evaluated 2024-02-24.

Conditions:
Kabuki syndrome. Also called: Kabuki make-up syndrome; NIIKAWA-KUROKI SYNDROME. Identifiers: Orphanet 2322, MedGen C0796004, MONDO:0016512.
Kabuki syndrome 1 (KABUK1). Also called: KMT2D-Related Kabuki Syndrome. Identifiers: Orphanet 2322, MedGen CN030661, MONDO:0007843, OMIM 147920.

Submissions (2):

Labcorp Genetics (formerly Invitae), Labcorp
Classification: Uncertain significance for Kabuki syndrome. Last evaluated: 2024-02-24. Review status: criteria provided, single submitter. Criteria: Invitae Variant Classification Sherloc (09022015). Collection method: clinical testing. Allele origin: germline.
Comment: This sequence change replaces cysteine, which is neutral and slightly polar, with tyrosine, which is neutral and polar, at codon 1448 of the KMT2D protein (p.Cys1448Tyr). This variant is not present in population databases (gnomAD no frequency). This missense change has been observed in individual(s) with Kabuki syndrome (PMID: 30459467). ClinVar contains an entry for this variant (Variation ID: 158768). Advanced modeling of protein sequence and biophysical properties (such as structural, functional, and spatial information, amino acid conservation, physicochemical variation, residue mobility, and thermodynamic stability) performed at Invitae indicates that this missense variant is expected to disrupt KMT2D protein function with a positive predictive value of 95%. In summary, the available evidence is currently insufficient to determine the role of this variant in disease. Therefore, it has been classified as a Variant of Uncertain Significance.

Genetic Services Laboratory, University of Chicago
Classification: Uncertain significance for Kabuki syndrome 1. Last evaluated: 2013-02-08. Review status: criteria provided, single submitter. Criteria: ACMG Guidelines, 2007. Collection method: clinical testing. Allele origin: germline. Inheritance: Autosomal dominant inheritance.

Literature cited by the submitters: PubMed 30459467 (cited by Labcorp Genetics (formerly Invitae), Labcorp).